The following is an entry in ClinVar:

ClinVar aggregate classification (germline): Uncertain significance (1 of 4 stars; one submission).

Conditions:
Ehlers-Danlos syndrome, classic type, 1 (EDSCL1). Also called: EDS I; EHLERS-DANLOS SYNDROME, GRAVIS TYPE; EHLERS-DANLOS SYNDROME, SEVERE CLASSIC TYPE; Ehlers-Danlos Syndrome, Classic Type, COL5A1-Related; Ehlers-Danlos syndrome, type 1. Identifiers: MedGen C0268335, MONDO:0019567, OMIM 130000.

Submission:

Labcorp Genetics (formerly Invitae), Labcorp
Classification: Uncertain significance for Ehlers-Danlos syndrome, classic type, 1. Last evaluated: 2018-07-02. Review status: criteria provided, single submitter. Criteria: Invitae Variant Classification Sherloc (09022015). Collection method: clinical testing. Allele origin: germline.
Comment: In summary, the available evidence is currently insufficient to determine the role of this variant in disease. Therefore, it has been classified as a Variant of Uncertain Significance. Nucleotide substitutions within the consensus splice site are a relatively common cause of aberrant splicing (PMID: 17576681, 9536098). Algorithms developed to predict the effect of sequence changes on RNA splicing suggest that this variant may disrupt the consensus splice site, but this prediction has not been confirmed by published transcriptional studies. This variant has not been reported in the literature in individuals with COL5A1-related disease. This variant is not present in population databases (ExAC no frequency). This sequence change falls in intron 12 of the COL5A1 gene. It does not directly change the encoded amino acid sequence of the COL5A1 protein, but it affects a nucleotide within the consensus splice site of the intron.

Literature cited by the submitters: PubMed 17576681; PubMed 9536098.

NM_000093.5(COL5A1):c.1569+6T>C

Gene: COL5A1 (collagen type V alpha 1 chain; plus strand). Cytogenetic location: 9q34.3.
Variant type: single nucleotide variant.
Coding change: c.1569+6T>C on transcript NM_000093.5 (MANE Select); 6 bases into the intron after coding-DNA position 1569, T replaced by C.
Molecular consequence: intron variant.
Genome position (GRCh38, 1-based): chr9:134,750,622, T>C. VCF-style: chr9-134750622-T-C. GRCh37 (hg19) VCF-style: chr9-137642468-T-C.
Other names: c.1569+6T>C (NM_001278074.1).
Identifiers: ClinVar variation 641405 (VCV000641405.10), dbSNP rs1588502477, ClinGen allele CA915947242.